The following is an entry in ClinVar:

ClinVar aggregate classification (germline): Uncertain significance (1 of 4 stars; one submission).

Conditions:
Hereditary cancer-predisposing syndrome. Also called: Hereditary Cancer Syndrome; Tumor predisposition; Hereditary neoplastic syndrome; Neoplastic Syndromes, Hereditary. Identifiers: Orphanet 140162, MedGen C0027672, MeSH D009386, MONDO:0015356.

Submission:

Ambry Genetics
Classification: Uncertain significance for Hereditary cancer-predisposing syndrome. Last evaluated: 2024-05-22. Review status: criteria provided, single submitter. Criteria: Ambry Variant Classification Scheme 2023. Collection method: clinical testing. Allele origin: germline.
Comment: The p.E260V variant (also known as c.779A>T), located in coding exon 8 of the BRCA2 gene, results from an A to T substitution at nucleotide position 779. The glutamic acid at codon 260 is replaced by valine, an amino acid with dissimilar properties. This amino acid position is conserved. In addition, this alteration is predicted to be tolerated by in silico analysis. Based on the available evidence, the clinical significance of this variant remains unclear.

NM_000059.4(BRCA2):c.779A>T (p.Glu260Val)

Gene: BRCA2 (BRCA2 DNA repair associated; plus strand). Cytogenetic location: 13q13.1.
Variant type: single nucleotide variant.
Coding change: c.779A>T on transcript NM_000059.4 (MANE Select); coding-DNA position 779, A replaced by T.
Protein change: p.Glu260Val; replaces glutamic acid 260 with valine.
Molecular consequence: missense variant. On other transcripts: non-coding transcript variant (1).
Genome position (GRCh38, 1-based): chr13:32,331,016, A>T. VCF-style: chr13-32331016-A-T. GRCh37 (hg19) VCF-style: chr13-32905153-A-T.
Other names: c.779A>T, p.Glu260Val (NM_001406719.1, NM_001406720.1, NM_001406721.1); c.410A>T, p.Glu137Val (NM_001406722.1); short protein forms E137V, E260V.
Identifiers: ClinVar variation 3261633 (VCV003261633.1).
Genomic context (GRCh38, chr13:32,331,016, plus strand): 5'-TGAAGAAAAATGATAGATTTATCGCTTCTGTGACAGACAGTGAAAACACAAATCAAAGAG[A>T]AGCTGCAAGTCATGGTAAGTCCTCTGTTTAGTTGAACTACAGGTTTTTTTGTTGTTGTTG-3'
Protein context (NP_000050.3, residues 250-270): VTDSENTNQR[Glu260Val]AASHGFGKTS